The following is an entry in ClinVar:

ClinVar aggregate classification (germline): Uncertain significance (1 of 4 stars; one submission).

gnomAD v4.1: 1 of 1,613,938 alleles (0.000062%); highest among the groups gnomAD compares: Non-Finnish European, 0.000085%; no homozygotes.

Submission:

Labcorp Genetics (formerly Invitae), Labcorp
Classification: Uncertain significance. Last evaluated: 2022-07-06. Review status: criteria provided, single submitter. Criteria: Invitae Variant Classification Sherloc (09022015). Collection method: clinical testing. Allele origin: germline.
Comment: In summary, the available evidence is currently insufficient to determine the role of this variant in disease. Therefore, it has been classified as a Variant of Uncertain Significance. Algorithms developed to predict the effect of missense changes on protein structure and function are either unavailable or do not agree on the potential impact of this missense change (SIFT: "Not Available"; PolyPhen-2: "Benign"; Align-GVGD: "Not Available"). ClinVar contains an entry for this variant (Variation ID: 1478657). This variant has not been reported in the literature in individuals affected with LCT-related conditions. This variant is not present in population databases (gnomAD no frequency). This sequence change replaces alanine, which is neutral and non-polar, with glutamic acid, which is acidic and polar, at codon 365 of the LCT protein (p.Ala365Glu).

NM_002299.4(LCT):c.1094C>A (p.Ala365Glu)

Genes: LCT (lactase; minus strand), LOC126806353 (BRD4-independent group 4 enhancer GRCh37_chr2:136574960-136576159; plus strand). Cytogenetic location: 2q21.3.
Variant type: single nucleotide variant.
Coding change: c.1094C>A on transcript NM_002299.4 (MANE Select); coding-DNA position 1094, C replaced by A.
Protein change: p.Ala365Glu; replaces alanine 365 with glutamic acid.
Molecular consequence: missense variant.
Genome position (GRCh38, 1-based): chr2:135,817,954, G>T on the plus strand (C>A on the coding strand, the complement: LCT is on the minus strand). VCF-style: chr2-135817954-G-T. GRCh37 (hg19) VCF-style: chr2-136575524-G-T.
Other names: short protein forms A365E.
Identifiers: ClinVar variation 1478657 (VCV001478657.8), dbSNP rs1048605566, ClinGen allele CA56623785.
Genomic context (GRCh38, chr2:135,817,954, plus strand): 5'-CCTTCAGGGAAAGTATCCTGCAGGAAGGCATCCCTTTCCGCCCTGGACTGATTGGCAAAT[G>T]CTTCCCAGATTCTCTGATAGGCAGAGGCAGGAGAGGAGTCCGTGGTCTCGTGGTCCTGCT-3'
Protein context (NP_002290.2, residues 355-375): PASAYQRIWE[Ala365Glu]FANQSRAERD